The following is an entry in ClinVar:

ClinVar aggregate classification (germline): Uncertain significance. Review status: criteria provided, single submitter (1 of 4 stars). 2 submissions from 2 submitters: Uncertain significance (1). 1 of the submissions does not count toward it. Last evaluated 2024-01-03.

Conditions:
Polycystic kidney disease, adult type (PKD1). Also called: Polycystic Kidney, Autosomal Dominant; POLYCYSTIC KIDNEY DISEASE 1 WITH OR WITHOUT POLYCYSTIC LIVER DISEASE; POLYCYSTIC KIDNEY DISEASE, ADULT, TYPE I; Polycystic Kidney Disease 1, Autosomal Dominant; Polycystic kidney disease 1; Polycystic kidney disease 1, severe. Identifiers: MedGen C3149841, MONDO:0008263, OMIM 173900.
PKD1-related disorder. Also called: PKD1-related condition.

Submissions (2):

Fulgent Genetics
Classification: Uncertain significance for Polycystic kidney disease, adult type. Last evaluated: 2024-01-03. Review status: criteria provided, single submitter. Criteria: ACMG Guidelines, 2015. Collection method: clinical testing. Allele origin: germline.

PreventionGenetics, part of Exact Sciences
Classification: Uncertain significance for PKD1-related condition. Last evaluated: 2024-06-27. Review status: no assertion criteria provided. Collection method: clinical testing. Allele origin: germline. Not counted in ClinVar's aggregate classification.
Comment: The PKD1 c.8879_8880delinsTT variant is predicted to result in an in-frame deletion and insertion. To our knowledge, this variant has not been reported in the literature or in a large population database, indicating this variant is rare. At this time, the clinical significance of this variant is uncertain due to the absence of conclusive functional and genetic evidence.

NM_001009944.3(PKD1):c.8879_8880delinsTT (p.Ser2960Ile)

Gene: PKD1 (polycystin 1, transient receptor potential channel interacting; minus strand). Cytogenetic location: 16p13.3.
Variant type: Indel.
Coding change: c.8879_8880delinsTT on transcript NM_001009944.3 (MANE Select); coding-DNA positions 8879 to 8880, GC replaced by TT.
Protein change: p.Ser2960Ile; replaces serine 2960 with isoleucine.
Molecular consequence: missense variant.
Genome position (GRCh38, 1-based): chr16:2,102,882-2,102,883, GC replaced by AA on the plus strand (GC replaced by TT on the coding strand, the reverse complement: PKD1 is on the minus strand). VCF-style: chr16-2102882-GC-AA. GRCh37 (hg19) VCF-style: chr16-2152883-GC-AA.
Other names: c.8879_8880delinsTT, p.Ser2960Ile (NM_000296.4); c.8879_8880delGCinsTT, p.Ser2960Ile (NM_001009944.2); short protein forms S2960I.
Identifiers: ClinVar variation 3347193 (VCV003347193.2).